The following is an entry in ClinVar:

ClinVar aggregate classification (germline): Uncertain significance. Review status: criteria provided, multiple submitters, no conflicts (2 of 4 stars). 2 submissions from 2 submitters: Uncertain significance (2). Last evaluated 2022-09-21.

Conditions:
Familial cancer of breast. Also called: Hereditary breast cancer; hereditary breast carcinoma; BREAST CANCER, FAMILIAL. Identifiers: Orphanet 227535, MedGen C0346153, MONDO:0016419, OMIM 114480. Disease mechanism: loss of function.

Allele frequency attached by ClinVar (database versions not stated): gnomAD exomes below 0.00001.
gnomAD v4.1: 1 of 1,614,032 alleles (0.000062%); highest among the groups gnomAD compares: Admixed American, 0.0017%; no homozygotes.

Submissions (2):

Labcorp Genetics (formerly Invitae), Labcorp
Classification: Uncertain significance for Familial cancer of breast. Last evaluated: 2022-09-21. Review status: criteria provided, single submitter. Criteria: Invitae Variant Classification Sherloc (09022015). Collection method: clinical testing. Allele origin: germline.
Comment: This sequence change replaces isoleucine, which is neutral and non-polar, with methionine, which is neutral and non-polar, at codon 573 of the BARD1 protein (p.Ile573Met). This variant is present in population databases (no rsID available, gnomAD 0.003%). This variant has not been reported in the literature in individuals affected with BARD1-related conditions. ClinVar contains an entry for this variant (Variation ID: 1318616). Algorithms developed to predict the effect of missense changes on protein structure and function are either unavailable or do not agree on the potential impact of this missense change (SIFT: "Deleterious"; PolyPhen-2: "Possibly Damaging"; Align-GVGD: "Class C0"). In summary, the available evidence is currently insufficient to determine the role of this variant in disease. Therefore, it has been classified as a Variant of Uncertain Significance.

GeneDx
Classification: Uncertain significance. Last evaluated: 2020-04-20. Review status: criteria provided, single submitter. Criteria: GeneDx Variant Classification Process June 2021. Collection method: clinical testing. Allele origin: germline. Affected: yes.
Comment: Not observed at a significant frequency in large population cohorts (Lek et al., 2016); In silico analysis supports that this missense variant does not alter protein structure/function; Has not been previously published as pathogenic or benign to our knowledge

NM_000465.4(BARD1):c.1719A>G (p.Ile573Met)

Gene: BARD1 (BRCA1 associated RING domain 1; minus strand). Cytogenetic location: 2q35.
Variant type: single nucleotide variant.
Coding change: c.1719A>G on transcript NM_000465.4 (MANE Select); coding-DNA position 1719, A replaced by G.
Protein change: p.Ile573Met; replaces isoleucine 573 with methionine.
Molecular consequence: missense variant. On other transcripts: non-coding transcript variant (3), intron variant (1).
Genome position (GRCh38, 1-based): chr2:214,745,813, T>C on the plus strand (A>G on the coding strand, the complement: BARD1 is on the minus strand). VCF-style: chr2-214745813-T-C. GRCh37 (hg19) VCF-style: chr2-215610537-T-C.
Other names: c.1662A>G, p.Ile554Met (NM_001282543.2); c.366A>G, p.Ile122Met (NM_001282545.2); c.309A>G, p.Ile103Met (NM_001282548.2); c.365-15305A>G (NM_001282549.2); short protein forms I103M, I122M, I554M, I573M.
Identifiers: ClinVar variation 1318616 (VCV001318616.7), dbSNP rs1272044533, ClinGen allele CA350453157.
Genomic context (GRCh38, chr2:214,745,813, plus strand): 5'-CTTAAGAATTACTGCAAGCTCACTGAGCATTTTCTGTTGTTCTGAAGACAGCCCACTGCC[T>C]ATAAGTACAAGAGGTCCATCCCTACGCTGCCCAGTGTTCATCTGTTAATATAAAAGGAGA-3'
Protein context (NP_000456.2, residues 563-583): GQRRDGPLVL[Ile573Met]GSGLSSEQQK